The following is an entry in ClinVar:

NM_006270.5(RRAS):c.515C>T (p.Ser172Leu)

Gene: RRAS (RAS related; minus strand). Cytogenetic location: 19q13.33.
Variant type: single nucleotide variant.
Coding change: c.515C>T on transcript NM_006270.5 (MANE Select); coding-DNA position 515, C replaced by T.
Protein change: p.Ser172Leu; replaces serine 172 with leucine.
Molecular consequence: missense variant.
Genome position (GRCh38, 1-based): chr19:49,635,791, G>A on the plus strand (C>T on the coding strand, the complement: RRAS is on the minus strand). VCF-style: chr19-49635791-G-A. GRCh37 (hg19) VCF-style: chr19-50139048-G-A.
Other names: short protein forms S172L.
Identifiers: ClinVar variation 527792 (VCV000527792.9), dbSNP rs754342165, ClinGen allele CA9578978.

ClinVar aggregate classification (germline): Uncertain significance. Review status: criteria provided, multiple submitters, no conflicts (2 of 4 stars). 2 submissions from 2 submitters: Uncertain significance (2). Last evaluated 2026-03-26.

Conditions:
Noonan syndrome (NS). Also called: Noonan's syndrome. Identifiers: Orphanet 648, MedGen C0028326, MeSH D009634, MONDO:0018997. Disease mechanism: gain of function.
RRAS-related disorder. Also called: RRAS-related condition.

Allele frequency attached by ClinVar (database versions not stated): gnomAD 0.00001; TOPMed 0.00001; ExAC 0.00002; gnomAD exomes 0.00002.
gnomAD v4.1: 28 of 1,598,826 alleles (0.0018%); highest among the groups gnomAD compares: Non-Finnish European, 0.0024%; no homozygotes.

Submissions (2):

PreventionGenetics, part of Exact Sciences
Classification: Uncertain significance for RRAS-related condition. Last evaluated: 2026-03-26. Review status: criteria provided, single submitter. Criteria: ACMG Guidelines, 2015. Collection method: clinical testing. Allele origin: germline.
Comment: The RRAS c.515C>T variant is predicted to result in the amino acid substitution p.Ser172Leu. To our knowledge, this variant has not been reported in the literature. This variant is reported in 0.0047% of alleles in individuals of European (Non-Finnish) descent in gnomAD. At this time, the clinical significance of this variant is uncertain due to the absence of conclusive functional and genetic evidence.

Labcorp Genetics (formerly Invitae), Labcorp
Classification: Uncertain significance for Noonan syndrome. Last evaluated: 2025-01-28. Review status: criteria provided, single submitter. Criteria: Invitae Variant Classification Sherloc (09022015). Collection method: clinical testing. Allele origin: germline.
Comment: This sequence change replaces serine, which is neutral and polar, with leucine, which is neutral and non-polar, at codon 172 of the RRAS protein (p.Ser172Leu). This variant is present in population databases (rs754342165, gnomAD 0.005%). This variant has not been reported in the literature in individuals affected with RRAS-related conditions. ClinVar contains an entry for this variant (Variation ID: 527792). An algorithm developed to predict the effect of missense changes on protein structure and function (PolyPhen-2) suggests that this variant is likely to be disruptive. In summary, the available evidence is currently insufficient to determine the role of this variant in disease. Therefore, it has been classified as a Variant of Uncertain Significance.